The following is an entry in ClinVar:

ClinVar aggregate classification (germline): Uncertain significance (1 of 4 stars; one submission).

Conditions:
Hereditary spastic paraplegia 4. Also called: Familial spastic paraplegia autosomal dominant 2; Spastic paraplegia 4, autosomal dominant; Spastic Paraplegia 4. Identifiers: Orphanet 100985, MedGen C1866855, MONDO:0008438, OMIM 182601.

Allele frequency attached by ClinVar (database versions not stated): TOPMed below 0.00001; ExAC 0.00001; gnomAD exomes 0.00001; ESP Exome Variant Server 0.00008.
gnomAD v4.1: 15 of 1,613,152 alleles (0.00093%); highest among the groups gnomAD compares: Admixed American, 0.0017%; no homozygotes.

Submission:

Labcorp Genetics (formerly Invitae), Labcorp
Classification: Uncertain significance for Hereditary spastic paraplegia 4. Last evaluated: 2025-10-20. Review status: criteria provided, single submitter. Criteria: Invitae Variant Classification Sherloc (09022015). Collection method: clinical testing. Allele origin: germline.
Comment: This sequence change replaces asparagine, which is neutral and polar, with serine, which is neutral and polar, at codon 222 of the SPAST protein (p.Asn222Ser). This variant is present in population databases (rs374569806, gnomAD 0.003%). This variant has not been reported in the literature in individuals affected with SPAST-related conditions. ClinVar contains an entry for this variant (Variation ID: 2176662). Invitae Evidence Modeling of protein sequence and biophysical properties (such as structural, functional, and spatial information, amino acid conservation, physicochemical variation, residue mobility, and thermodynamic stability) indicates that this missense variant is not expected to disrupt SPAST protein function with a negative predictive value of 95%. In summary, the available evidence is currently insufficient to determine the role of this variant in disease. Therefore, it has been classified as a Variant of Uncertain Significance.

NM_014946.4(SPAST):c.665A>G (p.Asn222Ser)

Gene: SPAST (spastin; plus strand). Cytogenetic location: 2p22.3.
Variant type: single nucleotide variant.
Coding change: c.665A>G on transcript NM_014946.4 (MANE Select); coding-DNA position 665, A replaced by G.
Protein change: p.Asn222Ser; replaces asparagine 222 with serine.
Molecular consequence: missense variant. On other transcripts: intron variant (3).
Genome position (GRCh38, 1-based): chr2:32,098,874, A>G. VCF-style: chr2-32098874-A-G. GRCh37 (hg19) VCF-style: chr2-32323943-A-G.
Other names: c.662A>G, p.Asn221Ser (NM_001363823.2); c.586+9269A>G (NM_199436.2, NM_001377959.1); c.583+9269A>G (NM_001363875.2); short protein forms N221S, N222S.
Identifiers: ClinVar variation 2176662 (VCV002176662.4), dbSNP rs374569806, ClinGen allele CA1600671.